The following is an entry in ClinVar:

NM_001378454.1(ALMS1):c.46_52delinsA (p.Glu16_Glu18delinsLys)

Gene: ALMS1 (ALMS1 centrosome and basal body associated protein; plus strand). Cytogenetic location: 2p13.1.
Variant type: Indel.
Coding change: c.46_52delinsA on transcript NM_001378454.1 (MANE Select); coding-DNA positions 46 to 52, GAGGAGG replaced by A.
Protein change: p.Glu16_Glu18delinsLys.
Molecular consequence: inframe indel.
Genome position (GRCh38, 1-based): chr2:73,385,914-73,385,920, GAGGAGG replaced by A. VCF-style: chr2-73385914-GAGGAGG-A. GRCh37 (hg19) VCF-style: chr2-73613042-GAGGAGG-A.
Other names: c.49_55delinsA, p.Glu17_Glu19delinsLys (NM_015120.4); c.49_55delGAGGAGGinsA (NM_015120.4).
Identifiers: ClinVar variation 1743982 (VCV001743982.2), dbSNP rs2465970052, ClinGen allele CA2580068053.

ClinVar aggregate classification (germline): Uncertain significance (1 of 4 stars; one submission).

Conditions:
Cardiovascular phenotype. Identifiers: MedGen CN230736.

Submission:

Ambry Genetics
Classification: Uncertain significance for Cardiovascular phenotype. Last evaluated: 2021-08-09. Review status: criteria provided, single submitter. Criteria: Ambry Variant Classification Scheme 2023. Collection method: clinical testing. Allele origin: germline.
Comment: The c.49_55delGAGGAGGinsA variant (also known as p.E17_E19delinsK), located in coding exon 1 of the ALMS1 gene, results from an in-frame deletion of GAGGAGG and insertion of A at nucleotide positions 49 to 55. This results in the deletion of two glutamic acid residues and the substitution of one glutamic acid residue for a lysine residue at codons 17 to 19. This amino acid region is not well conserved in available vertebrate species. In addition, this alteration is predicted to be neutral by in silico analysis (Choi Y et al. PLoS ONE. 2012; 7(10):e46688). Since supporting evidence is limited at this time, the clinical significance of this alteration remains unclear.